The following is an entry in ClinVar:

ClinVar aggregate classification (germline): Uncertain significance (1 of 4 stars; one submission).

Submission:

GeneDx
Classification: Uncertain significance. Last evaluated: 2026-02-03. Review status: criteria provided, single submitter. Criteria: GeneDx Variant Classification Process June 2021. Collection method: clinical testing. Allele origin: germline.
Comment: Not observed at significant frequency in large population cohorts (gnomAD); In silico analysis suggests that this missense variant does not alter protein structure/function; Has not been previously published as pathogenic or benign to our knowledge

NM_016333.4(SRRM2):c.5047C>G (p.Arg1683Gly)

Gene: SRRM2 (serine/arginine repetitive matrix 2; plus strand). Cytogenetic location: 16p13.3.
Variant type: single nucleotide variant.
Coding change: c.5047C>G on transcript NM_016333.4 (MANE Select); coding-DNA position 5047, C replaced by G.
Protein change: p.Arg1683Gly; replaces arginine 1683 with glycine.
Molecular consequence: missense variant.
Genome position (GRCh38, 1-based): chr16:2,765,575, C>G. VCF-style: chr16-2765575-C-G. GRCh37 (hg19) VCF-style: chr16-2815576-C-G.
Other names: short protein forms R1683G.
Identifiers: ClinVar variation 4976067 (VCV004976067.1).
Genomic context (GRCh38, chr16:2,765,575, plus strand): 5'-CCCAAATCCAGAACTGCTCGCAGAGGTTCCAGGTCATCACCAGAGCCCAAGACCAAGTCT[C>G]GTACACCACCTCGACGTCGCAGCTCTCGATCATCTCCGGAGCTAACAAGGAAGGCCAGAC-3'
Protein context (NP_057417.3, residues 1673-1693): RSSPEPKTKS[Arg1683Gly]TPPRRRSSRS